The following is an entry in ClinVar:

ClinVar aggregate classification (germline): Uncertain significance (1 of 4 stars; one submission).

Submission:

Mayo Clinic Laboratories, Mayo Clinic
Classification: Uncertain significance. Last evaluated: 2024-04-30. Review status: criteria provided, single submitter. Criteria: ACMG Guidelines, 2015. Collection method: clinical testing. Allele origin: germline. Observed: 1 variant allele.
Comment: PM2

NM_001365276.2(TNXB):c.8645A>T (p.Asp2882Val)

Gene: TNXB (tenascin XB; minus strand). Cytogenetic location: 6p21.33.
Variant type: single nucleotide variant.
Coding change: c.8645A>T on transcript NM_001365276.2 (MANE Select); coding-DNA position 8645, A replaced by T.
Protein change: p.Asp2882Val; replaces aspartic acid 2882 with valine.
Molecular consequence: missense variant.
Genome position (GRCh38, 1-based): chr6:32,053,534, T>A on the plus strand (A>T on the coding strand, the complement: TNXB is on the minus strand). VCF-style: chr6-32053534-T-A. GRCh37 (hg19) VCF-style: chr6-32021311-T-A.
Other names: p.Asp2880Val; c.9386A>T, p.Asp3129Val (NM_001428335.1); c.8639A>T, p.Asp2880Val (NM_019105.8); short protein forms D2880V, D2882V, D3129V.
Identifiers: ClinVar variation 3379665 (VCV003379665.1).